The following is an entry in ClinVar:

ClinVar aggregate classification (germline): Uncertain significance (1 of 4 stars; one submission).

gnomAD v4.1: 1 of 1,576,326 alleles (0.000063%); highest among the groups gnomAD compares: African/African-American, 0.0014%; no homozygotes.

Submission:

Labcorp Genetics (formerly Invitae), Labcorp
Classification: Uncertain significance. Last evaluated: 2024-02-19. Review status: criteria provided, single submitter. Criteria: Invitae Variant Classification Sherloc (09022015). Collection method: clinical testing. Allele origin: germline.
Comment: This sequence change affects an acceptor splice site in intron 2 of the SLC10A2 gene. It is expected to disrupt RNA splicing. Variants that disrupt the donor or acceptor splice site typically lead to a loss of protein function (PMID: 16199547), however the current clinical and genetic evidence is not sufficient to establish whether loss-of-function variants in SLC10A2 cause disease. This variant is not present in population databases (gnomAD no frequency). This variant has not been reported in the literature in individuals affected with SLC10A2-related conditions. Algorithms developed to predict the effect of sequence changes on RNA splicing suggest that this variant may disrupt the consensus splice site. In summary, the available evidence is currently insufficient to determine the role of this variant in disease. Therefore, it has been classified as a Variant of Uncertain Significance.

Literature cited by the submitters: PubMed 16199547.

NM_000452.3(SLC10A2):c.497-1G>A

Gene: SLC10A2 (solute carrier family 10 member 2; minus strand). Cytogenetic location: 13q33.1.
Variant type: single nucleotide variant.
Coding change: c.497-1G>A on transcript NM_000452.3 (MANE Select); the canonical splice acceptor site of the intron before coding-DNA position 497, G replaced by A.
Molecular consequence: splice acceptor variant.
Genome position (GRCh38, 1-based): chr13:103,052,709, C>T on the plus strand (G>A on the coding strand, the complement: SLC10A2 is on the minus strand). VCF-style: chr13-103052709-C-T. GRCh37 (hg19) VCF-style: chr13-103705059-C-T.
Identifiers: ClinVar variation 2771326 (VCV002771326.3), dbSNP rs866975603, ClinGen allele CA255205694.